The following is an entry in ClinVar:

ClinVar aggregate classification (germline): Conflicting classifications of pathogenicity. Review status: criteria provided, conflicting classifications (1 of 4 stars). 3 submissions from 3 submitters: Uncertain significance (2); Benign (1). Last evaluated 2026-01-04.

Conditions:
Neuronopathy, distal hereditary motor, type 2C. Also called: HMN IIC; NEUROPATHY, DISTAL HEREDITARY MOTOR, AUTOSOMAL DOMINANT 4; NEURONOPATHY, DISTAL HEREDITARY MOTOR, HARDING TYPE IIC; NEUROPATHY, DISTAL HEREDITARY MOTOR, HARDING TYPE IIC. Identifiers: Orphanet 139525, MedGen C3150619, MONDO:0013243, OMIM 613376.

Allele frequency attached by ClinVar (database versions not stated): gnomAD exomes 0.00012; ExAC 0.00016; TOPMed 0.00017; gnomAD 0.00021 and 0.00023; ESP Exome Variant Server 0.00031.

Submissions (3):

Labcorp Genetics (formerly Invitae), Labcorp
Classification: Uncertain significance for Neuronopathy, distal hereditary motor, type 2C. Last evaluated: 2026-01-04. Review status: criteria provided, single submitter. Criteria: Invitae Variant Classification Sherloc (09022015). Collection method: clinical testing. Allele origin: germline.
Comment: This sequence change replaces glutamic acid, which is acidic and polar, with lysine, which is basic and polar, at codon 91 of the HSPB3 protein (p.Glu91Lys). This variant is present in population databases (rs147724326, gnomAD 0.02%). This variant has not been reported in the literature in individuals affected with HSPB3-related conditions. ClinVar contains an entry for this variant (Variation ID: 471413). An algorithm developed to predict the effect of missense changes on protein structure and function (PolyPhen-2) suggests that this variant is likely to be disruptive. In summary, the available evidence is currently insufficient to determine the role of this variant in disease. Therefore, it has been classified as a Variant of Uncertain Significance.

Illumina Laboratory Services, Illumina
Classification: Benign for Neuronopathy, distal hereditary motor, type 2C. Last evaluated: 2017-05-15. Review status: criteria provided, single submitter. Criteria: ICSL Variant Classification Criteria 13 December 2019. Collection method: clinical testing. Allele origin: germline.
Comment: This variant was observed as part of a predisposition screen in an ostensibly healthy population. A literature search was performed for the gene, cDNA change, and amino acid change (where applicable). No publications were found based on this search. Allele frequency data from public databases was too high to be consistent with this variant causing disease. Therefore, this variant is classified as benign.

Eurofins Ntd Llc (ga)
Classification: Uncertain significance. Last evaluated: 2016-12-29. Review status: criteria provided, single submitter. Criteria: EGL Classification Definitions 2015. Collection method: clinical testing. Allele origin: germline. Observed: 1 variant allele, 1 heterozygote.

NM_006308.3(HSPB3):c.271G>A (p.Glu91Lys)

Gene: HSPB3 (heat shock protein family B (small) member 3; plus strand). Cytogenetic location: 5q11.2.
Variant type: single nucleotide variant.
Coding change: c.271G>A on transcript NM_006308.3 (MANE Select); coding-DNA position 271, G replaced by A.
Protein change: p.Glu91Lys; replaces glutamic acid 91 with lysine.
Molecular consequence: missense variant.
Genome position (GRCh38, 1-based): chr5:54,456,060, G>A. VCF-style: chr5-54456060-G-A. GRCh37 (hg19) VCF-style: chr5-53751890-G-A.
Other names: short protein forms E91K.
Identifiers: ClinVar variation 471413 (VCV000471413.13), dbSNP rs147724326, ClinGen allele CA3264649.